The following is an entry in ClinVar:

ClinVar aggregate classification (germline): Uncertain significance (1 of 4 stars; one submission).

Conditions:
Emery-Dreifuss muscular dystrophy 4, autosomal dominant (EDMD4). Also called: EMERY-DREIFUSS MUSCULAR DYSTROPHY 4 WITH VARIABLE FEATURES. Identifiers: Orphanet 261, MedGen C2751807, MONDO:0013071, OMIM 612998.
Autosomal recessive ataxia, Beauce type. Also called: Spinocerebellar ataxia, autosomal recessive 8; ATAXIA, RECESSIVE, OF BEAUCE; SYNE1-Related Autosomal Recessive Cerebellar Ataxia; SYNE1 Deficiency. Identifiers: Orphanet 88644, MedGen C1853116, MONDO:0012549, OMIM 610743.

Submission:

Labcorp Genetics (formerly Invitae), Labcorp
Classification: Uncertain significance for Emery-Dreifuss muscular dystrophy 4, autosomal dominant; Autosomal recessive ataxia, Beauce type. Last evaluated: 2019-03-19. Review status: criteria provided, single submitter. Criteria: Invitae Variant Classification Sherloc (09022015). Collection method: clinical testing. Allele origin: germline.
Comment: In summary, the available evidence is currently insufficient to determine the role of this variant in disease. Therefore, it has been classified as a Variant of Uncertain Significance. Algorithms developed to predict the effect of missense changes on protein structure and function are either unavailable or do not agree on the potential impact of this missense change (SIFT: "Deleterious"; PolyPhen-2: "Benign"; Align-GVGD: "Class C25"). This variant has not been reported in the literature in individuals with SYNE1-related conditions. This variant is not present in population databases (ExAC no frequency). This sequence change replaces serine with arginine at codon 1903 of the SYNE1 protein (p.Ser1903Arg). The serine residue is highly conserved and there is a moderate physicochemical difference between serine and arginine.

NM_182961.4(SYNE1):c.5686A>C (p.Ser1896Arg)

Gene: SYNE1 (spectrin repeat containing nuclear envelope protein 1; minus strand). Cytogenetic location: 6q25.2.
Variant type: single nucleotide variant.
Coding change: c.5686A>C on transcript NM_182961.4 (MANE Select); coding-DNA position 5686, A replaced by C.
Protein change: p.Ser1896Arg; replaces serine 1896 with arginine.
Molecular consequence: missense variant.
Genome position (GRCh38, 1-based): chr6:152,416,751, T>G on the plus strand (A>C on the coding strand, the complement: SYNE1 is on the minus strand). VCF-style: chr6-152416751-T-G. GRCh37 (hg19) VCF-style: chr6-152737886-T-G.
Other names: c.5707A>C, p.Ser1903Arg (NM_033071.5); short protein forms S1903R, S1896R.
Identifiers: ClinVar variation 837028 (VCV000837028.9), dbSNP rs989623011, ClinGen allele CA366133224.